The following is an entry in ClinVar:

ClinVar aggregate classification (germline): Benign. Review status: criteria provided, single submitter (1 of 4 stars). 2 submissions from 2 submitters: Benign (1). 1 of the submissions does not count toward it. Last evaluated 2023-06-29.

Conditions:
APC2-related disorder. Also called: APC2-Related Disorders; APC2-related condition.

Allele frequency attached by ClinVar (database versions not stated): 1000 Genomes Project 30x 0.00047; ExAC 0.00091.
gnomAD v4.1: 156 of 1,534,492 alleles (0.01%); highest among the groups gnomAD compares: South Asian, 0.17%; 1 homozygote.

Submissions (2):

Labcorp Genetics (formerly Invitae), Labcorp
Classification: Benign. Last evaluated: 2023-06-29. Review status: criteria provided, single submitter. Criteria: Invitae Variant Classification Sherloc (09022015). Collection method: clinical testing. Allele origin: germline.

PreventionGenetics, part of Exact Sciences
Classification: Likely benign for APC2-related condition. Last evaluated: 2019-10-28. Review status: no assertion criteria provided. Collection method: clinical testing. Allele origin: germline. Not counted in ClinVar's aggregate classification.
Comment: This variant is classified as likely benign based on ACMG/AMP sequence variant interpretation guidelines (Richards et al. 2015 PMID: 25741868, with internal and published modifications).

NM_005883.3(APC2):c.2937G>A (p.Pro979=)

Gene: APC2 (APC regulator of Wnt signaling pathway 2; plus strand). Cytogenetic location: 19p13.3.
Variant type: single nucleotide variant.
Coding change: c.2937G>A on transcript NM_005883.3 (MANE Select); coding-DNA position 2937, G replaced by A.
Protein change: p.Pro979=; no amino-acid change (proline 979 retained).
Molecular consequence: synonymous variant.
Genome position (GRCh38, 1-based): chr19:1,466,238, G>A. VCF-style: chr19-1466238-G-A. GRCh37 (hg19) VCF-style: chr19-1466237-G-A.
Other names: c.2937G>A (NM_005883.2); c.2934G>A, p.Pro978= (NM_001351273.1).
Identifiers: ClinVar variation 2183767 (VCV002183767.6), dbSNP rs773998780, ClinGen allele CA9045578.